The following is an entry in ClinVar:

ClinVar aggregate classification (germline): Uncertain significance (1 of 4 stars; one submission).

Conditions:
Long QT syndrome (LQTS). Identifiers: MedGen C0023976, MeSH D008133, MONDO:0002442. Disease mechanism: loss of function. Inheritance: Various modes of inheritance.

Allele frequency attached by ClinVar (database versions not stated): gnomAD exomes below 0.00001.
gnomAD v4.1: 1 of 1,613,886 alleles (0.000062%); highest among the groups gnomAD compares: Admixed American, 0.0017%; no homozygotes.

Submission:

Labcorp Genetics (formerly Invitae), Labcorp
Classification: Uncertain significance for Long QT syndrome. Last evaluated: 2022-04-20. Review status: criteria provided, single submitter. Criteria: Invitae Variant Classification Sherloc (09022015). Collection method: clinical testing. Allele origin: germline.
Comment: In summary, the available evidence is currently insufficient to determine the role of this variant in disease. Therefore, it has been classified as a Variant of Uncertain Significance. Algorithms developed to predict the effect of missense changes on protein structure and function are either unavailable or do not agree on the potential impact of this missense change (SIFT: "Tolerated"; PolyPhen-2: "Probably Damaging"; Align-GVGD: "Class C0"). This variant has not been reported in the literature in individuals affected with ANK2-related conditions. This variant is present in population databases (no rsID available, gnomAD 0.003%). This sequence change replaces proline, which is neutral and non-polar, with serine, which is neutral and polar, at codon 3710 of the ANK2 protein (p.Pro3710Ser).

NM_001148.6(ANK2):c.11128C>T (p.Pro3710Ser)

Gene: ANK2 (ankyrin 2; plus strand). Cytogenetic location: 4q26.
Variant type: single nucleotide variant.
Coding change: c.11128C>T on transcript NM_001148.6 (MANE Select); coding-DNA position 11128, C replaced by T.
Protein change: p.Pro3710Ser; replaces proline 3710 with serine.
Molecular consequence: missense variant.
Genome position (GRCh38, 1-based): chr4:113,367,661, C>T. VCF-style: chr4-113367661-C-T. GRCh37 (hg19) VCF-style: chr4-114288817-C-T.
Other names: c.4846C>T, p.Pro1616Ser (NM_001127493.3); c.4885C>T, p.Pro1629Ser (NM_001354225.2); c.4774C>T, p.Pro1592Ser (NM_001354228.2, NM_001354258.2); c.4852C>T, p.Pro1618Ser (NM_001354230.2); c.4915C>T, p.Pro1639Ser (NM_001354231.2, NM_001354242.2); c.4909C>T, p.Pro1637Ser (NM_001354232.2); c.4870C>T, p.Pro1624Ser (NM_001354235.2, NM_001354246.2, NM_001354265.2); c.4771C>T, p.Pro1591Ser (NM_001354236.2); and 35 more; short protein forms P1538S, P1570S, P1573S, P1582S, P1625S, P3710S, P813S, P1644S.
Identifiers: ClinVar variation 2084809 (VCV002084809.4), dbSNP rs1326750871, ClinGen allele CA357942027.
Genomic context (GRCh38, chr4:113,367,661, plus strand): 5'-CAGCACAAGCAGAAAGAGGAGCAAGCTGTTTCTAAAGAAAGTGAGACCTGCGATCACCCT[C>T]CTATCGTCTCAGAGGAAGACATTTCTGTTGGTTATTCCACTTTTCAGGATGGCGTCCCCA-3'
Protein context (NP_001139.3, residues 3700-3720): SKESETCDHP[Pro3710Ser]IVSEEDISVG